The following is an entry in ClinVar:

ClinVar aggregate classification (germline): Uncertain significance. Review status: criteria provided, multiple submitters, no conflicts (2 of 4 stars). 2 submissions from 2 submitters: Uncertain significance (2). Last evaluated 2025-06-24.

Conditions:
Inborn genetic diseases. Identifiers: MedGen C0950123, MeSH D030342.

Allele frequency attached by ClinVar (database versions not stated): gnomAD exomes below 0.00001; ExAC 0.00001; gnomAD 0.00001; TOPMed 0.00002.
gnomAD v4.1: 6 of 1,614,076 alleles (0.00037%); highest among the groups gnomAD compares: East Asian, 0.0022%; no homozygotes.

Submissions (2):

Ambry Genetics
Classification: Uncertain significance for Inborn genetic diseases. Last evaluated: 2025-06-24. Review status: criteria provided, single submitter. Criteria: Ambry Variant Classification Scheme 2023. Collection method: clinical testing. Allele origin: germline.

Labcorp Genetics (formerly Invitae), Labcorp
Classification: Uncertain significance. Last evaluated: 2023-02-18. Review status: criteria provided, single submitter. Criteria: Invitae Variant Classification Sherloc (09022015). Collection method: clinical testing. Allele origin: germline.
Comment: This sequence change replaces leucine, which is neutral and non-polar, with valine, which is neutral and non-polar, at codon 758 of the MBTPS1 protein (p.Leu758Val). This variant is present in population databases (rs769339105, gnomAD 0.002%). This variant has not been reported in the literature in individuals affected with MBTPS1-related conditions. An algorithm developed to predict the effect of missense changes on protein structure and function (PolyPhen-2) suggests that this variant is likely to be disruptive. In summary, the available evidence is currently insufficient to determine the role of this variant in disease. Therefore, it has been classified as a Variant of Uncertain Significance.

NM_003791.4(MBTPS1):c.2272C>G (p.Leu758Val)

Gene: MBTPS1 (membrane bound transcription factor peptidase, site 1; minus strand). Cytogenetic location: 16q23.3.
Variant type: single nucleotide variant.
Coding change: c.2272C>G on transcript NM_003791.4 (MANE Select); coding-DNA position 2272, C replaced by G.
Protein change: p.Leu758Val; replaces leucine 758 with valine.
Molecular consequence: missense variant.
Genome position (GRCh38, 1-based): chr16:84,066,570, G>C on the plus strand (C>G on the coding strand, the complement: MBTPS1 is on the minus strand). VCF-style: chr16-84066570-G-C. GRCh37 (hg19) VCF-style: chr16-84100175-G-C.
Other names: c.2272C>G (NM_003791.2); short protein forms L758V.
Identifiers: ClinVar variation 2722605 (VCV002722605.2), dbSNP rs769339105, ClinGen allele CA8200981.